The following is an entry in ClinVar:

ClinVar aggregate classification (germline): Uncertain significance. Review status: criteria provided, multiple submitters, no conflicts (2 of 4 stars). 2 submissions from 2 submitters: Uncertain significance (2). Last evaluated 2026-03-11.

Conditions:
Inborn genetic diseases. Identifiers: MedGen C0950123, MeSH D030342.

gnomAD v4.1: 4 of 1,592,572 alleles (0.00025%); highest among the groups gnomAD compares: Non-Finnish European, 0.00034%; no homozygotes.

Submissions (2):

GeneDx
Classification: Uncertain significance. Last evaluated: 2026-03-11. Review status: criteria provided, single submitter. Criteria: GeneDx Variant Classification Process June 2021. Collection method: clinical testing. Allele origin: germline.
Comment: Not observed at significant frequency in large population cohorts (gnomAD); In silico analysis suggests that this missense variant does not alter protein structure/function; Has not been previously published as pathogenic or benign to our knowledge

Ambry Genetics
Classification: Uncertain significance for Inborn genetic diseases. Last evaluated: 2024-10-25. Review status: criteria provided, single submitter. Criteria: Ambry Variant Classification Scheme 2023. Collection method: clinical testing. Allele origin: germline.

NM_144991.3(TSPEAR):c.1960T>C (p.Ser654Pro)

Gene: TSPEAR (thrombospondin type laminin G domain and EAR repeats; minus strand). Cytogenetic location: 21q22.3.
Variant type: single nucleotide variant.
Coding change: c.1960T>C on transcript NM_144991.3 (MANE Select); coding-DNA position 1960, T replaced by C.
Protein change: p.Ser654Pro; replaces serine 654 with proline.
Molecular consequence: missense variant.
Genome position (GRCh38, 1-based): chr21:44,499,833, A>G on the plus strand (T>C on the coding strand, the complement: TSPEAR is on the minus strand). VCF-style: chr21-44499833-A-G. GRCh37 (hg19) VCF-style: chr21-45919716-A-G.
Other names: c.1756T>C, p.Ser586Pro (NM_001272037.2); short protein forms S586P, S654P.
Identifiers: ClinVar variation 3462974 (VCV003462974.2).
Genomic context (GRCh38, chr21:44,499,833, plus strand): 5'-AGCCGCGGCCTCAGCGTGTCCTCAGCCGCAGGACCCTGGAGAGGGGCTCCTTGGCGCTGG[A>G]GTAGATGAGGTAGGCACCAGCCGTGGTGCTGAAGGCCTCCCAGTCCCTGCAGCCGACGGT-3'
Protein context (NP_659428.2, residues 644-664): STTAGAYLIY[Ser654Pro]SAKEPLSRVL